The following is an entry in ClinVar:

NM_005188.4(CBL):c.1486G>A (p.Val496Met)

Gene: CBL (Cbl proto-oncogene; plus strand). Cytogenetic location: 11q23.3.
Variant type: single nucleotide variant.
Coding change: c.1486G>A on transcript NM_005188.4 (MANE Select); coding-DNA position 1486, G replaced by A.
Protein change: p.Val496Met; replaces valine 496 with methionine.
Molecular consequence: missense variant.
Genome position (GRCh38, 1-based): chr11:119,285,023, G>A. VCF-style: chr11-119285023-G-A. GRCh37 (hg19) VCF-style: chr11-119155733-G-A.
Other names: short protein forms V496M.
Identifiers: ClinVar variation 3634392 (VCV003634392.3).

ClinVar aggregate classification (germline): Uncertain significance. Review status: criteria provided, multiple submitters, no conflicts (2 of 4 stars). 2 submissions from 2 submitters: Uncertain significance (2). Last evaluated 2024-11-19.

Conditions:
RASopathy. Also called: Noonan spectrum disorder; rasopathies. Identifiers: Orphanet 536391, MedGen C5555857, MONDO:0021060.

gnomAD v4.1: 6 of 1,614,084 alleles (0.00037%); highest among the groups gnomAD compares: Non-Finnish European, 0.00051%; no homozygotes.

Submissions (2):

Labcorp Genetics (formerly Invitae), Labcorp
Classification: Uncertain significance for RASopathy. Last evaluated: 2024-11-19. Review status: criteria provided, single submitter. Criteria: Invitae Variant Classification Sherloc (09022015). Collection method: clinical testing. Allele origin: germline.
Comment: This sequence change replaces valine, which is neutral and non-polar, with methionine, which is neutral and non-polar, at codon 496 of the CBL protein (p.Val496Met). This variant is not present in population databases (gnomAD no frequency). This variant has not been reported in the literature in individuals affected with CBL-related conditions. Invitae Evidence Modeling of protein sequence and biophysical properties (such as structural, functional, and spatial information, amino acid conservation, physicochemical variation, residue mobility, and thermodynamic stability) indicates that this missense variant is not expected to disrupt CBL protein function with a negative predictive value of 95%. In summary, the available evidence is currently insufficient to determine the role of this variant in disease. Therefore, it has been classified as a Variant of Uncertain Significance.

Blueprint Genetics
Classification: Uncertain significance. Last evaluated: 2019-06-04. Review status: criteria provided, single submitter. Criteria: ACMG Guidelines, 2015. Collection method: clinical testing. Allele origin: germline.